The following is an entry in ClinVar:

ClinVar aggregate classification (germline): Likely pathogenic (1 of 4 stars; one submission).

Conditions:
Infantile cerebellar-retinal degeneration (ICRD). Identifiers: Orphanet 313850, MedGen C3281192, MONDO:0013802, OMIM 614559.

Submission:

Broad Center for Mendelian Genomics, Broad Institute of MIT and Harvard
Classification: Likely pathogenic for Infantile cerebellar-retinal degeneration. Last evaluated: 2023-08-24. Review status: criteria provided, single submitter. Criteria: ACMG/ClinGen CNV Guidelines, 2019. Collection method: research. Allele origin: paternal. Inheritance: Autosomal recessive inheritance. Affected: yes.
Comment: These breakpoints have been estimated by exome sequencing only and therefore may not reflect the true breakpoints. The patient phenotype is nonspecific, but is consistent with cases described in the literature and/or published databases with overlapping variants. There is partial overlap with the 3’ and additional exons (NMD is expected to occur) of the ACO2 gene. This alteration is then predicted to lead to a truncated or absent protein. Loss of function of ACO2 is an established disease mechanism in autosomal recessive infantile cerebellar-retinal degeneration. In summary, although additional studies are required to fully establish its clinical significance, this variant is likely pathogenic for autosomal recessive infantile cerebellar-retinal degeneration. The ACMG/ClinGen evidence codes and points used in this curation are as follows: 1: 0 points, 2: 0.90 points, 3: 0 points, 4-5: 0.08 points; Total: 0.98 points; Riggs 2020 (PMID: 31690835).

GRCh38/hg38 22q13.2(chr22:41527570-41532843)x1

Genes: ACO2 (aconitase 2; plus strand), POLR3H (RNA polymerase III subunit H; minus strand). Cytogenetic location: 22q13.2.
Variant type: copy number loss.
Change: copy number 1 (one copy instead of two) of chr22:41,527,570-41,532,843 (5.3 kb, GRCh38 coordinates, 1-based), cytogenetic band 22q13.2.
Identifiers: ClinVar variation 2579234 (VCV002579234.1).